The following is an entry in ClinVar:

ClinVar aggregate classification (germline): Uncertain significance (1 of 4 stars; one submission).

Conditions:
Bardet-Biedl syndrome (BBS). Identifiers: Orphanet 110, MedGen C0752166, MONDO:0015229.

gnomAD v4.1: 5 of 1,614,054 alleles (0.00031%); highest among the groups gnomAD compares: Non-Finnish European, 0.00042%; no homozygotes.

Submission:

Lab De Baere, Eye and Developmental Genetics Lab, Ghent University
Classification: Uncertain significance for Bardet-Biedl syndrome. Last evaluated: 2024-10-01. Review status: criteria provided, single submitter. Criteria: ACMG Guidelines, 2015. Collection method: research. Allele origin: inherited. Affected: yes. Observed: 1 variant allele.
Comment: ACMG/AMP guidelines: PM2, PP3, PM3_PP

NM_170784.3(MKKS):c.178T>C (p.Ser60Pro)

Gene: MKKS (MKKS centrosomal shuttling protein; minus strand). Cytogenetic location: 20p12.2.
Variant type: single nucleotide variant.
Coding change: c.178T>C on transcript NM_170784.3 (MANE Select); coding-DNA position 178, T replaced by C.
Protein change: p.Ser60Pro; replaces serine 60 with proline.
Molecular consequence: missense variant.
Genome position (GRCh38, 1-based): chr20:10,413,337, A>G on the plus strand (T>C on the coding strand, the complement: MKKS is on the minus strand). VCF-style: chr20-10413337-A-G. GRCh37 (hg19) VCF-style: chr20-10393985-A-G.
Other names: c.178T>C, p.Ser60Pro (NM_018848.3); short protein forms S60P.
Identifiers: ClinVar variation 3544489 (VCV003544489.1).
Genomic context (GRCh38, chr20:10,413,337, plus strand): 5'-AGGCTGTCAGGATCTTTAAAATGGGATGTGTGACCAAAAGGTGACTGAGCAGAGCTGAGG[A>G]CTGTGAGGTTGTACACACGTAACCTCCAAAGCCATTGTGCAGCTGCTTCAGCCTACCTGA-3'
Protein context (NP_740754.1, residues 50-70): FGGYVCTTSQ[Ser60Pro]SALLSHLLVT